The following is an entry in ClinVar:

NM_001572.5(IRF7):c.749_750del (p.Pro250fs)

Gene: IRF7 (interferon regulatory factor 7; minus strand). Cytogenetic location: 11p15.5.
Variant type: Deletion.
Coding change: c.749_750del on transcript NM_001572.5 (MANE Select); coding-DNA positions 749 to 750, 2 bases deleted (CC; older notation c.749_750delCC).
Protein change: p.Pro250fs; shifts the reading frame from proline 250.
Molecular consequence: frameshift variant. On other transcripts: intron variant (1).
Genome position (GRCh38, 1-based): chr11:613,967-613,968, GG deleted on the plus strand (CC on the coding strand, the reverse complement: IRF7 is on the minus strand); deleting any 2 consecutive bases within chr11:613,967-613,969 gives the same sequence; the c. name uses the placement nearest the transcript's 3' end. VCF-style (leftmost placement, unchanged base first): chr11-613966-CGG-C. GRCh37 (hg19) VCF-style: chr11-613966-CGG-C.
Other names: c.788_789del, p.Pro263fs (NM_004031.4); c.680-103_680-102del (NM_004029.4); short protein forms P250fs, P263fs.
Identifiers: ClinVar variation 955589 (VCV000955589.7), dbSNP rs1029179555, ClinGen allele CA216911484.
Genomic context (GRCh38, chr11:613,966, plus strand): 5'-AGCCTCTCCCTGTGCCCCAGGCCTCCCAACCCCTACCCCTCTCACCTGTCGTTAGTGCCG[CGG>C]GCTGGGGCCCGGGGCTGGGGGTCGTCTCTACTGCCCACCCGTACAGCTCCCCAGCAGGGA-3'

ClinVar aggregate classification (germline): Uncertain significance (1 of 4 stars; one submission).

Conditions:
Immunodeficiency 39 (IMD39). Identifiers: Orphanet 574918, MedGen C4225358, MONDO:0014597, OMIM 616345.

Submission:

Labcorp Genetics (formerly Invitae), Labcorp
Classification: Uncertain significance for Immunodeficiency 39. Last evaluated: 2025-09-22. Review status: criteria provided, single submitter. Criteria: Invitae Variant Classification Sherloc (09022015). Collection method: clinical testing. Allele origin: germline.
Comment: This sequence change creates a premature translational stop signal (p.Pro263Argfs*151) in the IRF7 gene. It is expected to result in an absent or disrupted protein product. However, the current clinical and genetic evidence is not sufficient to establish whether loss-of-function variants in IRF7 cause disease. This variant is present in population databases (no rsID available, gnomAD 0.001%). This variant has not been reported in the literature in individuals affected with IRF7-related conditions. ClinVar contains an entry for this variant (Variation ID: 955589). In summary, the available evidence is currently insufficient to determine the role of this variant in disease. Therefore, it has been classified as a Variant of Uncertain Significance.